The following is an entry in ClinVar:

NM_021020.5(LZTS1):c.86C>T (p.Ser29Phe)

Gene: LZTS1 (leucine zipper tumor suppressor 1; minus strand). Cytogenetic location: 8p21.3.
Variant type: single nucleotide variant.
Coding change: c.86C>T on transcript NM_021020.5 (MANE Select); coding-DNA position 86, C replaced by T.
Protein change: p.Ser29Phe; replaces serine 29 with phenylalanine.
Molecular consequence: missense variant.
Genome position (GRCh38, 1-based): chr8:20,255,096, G>A on the plus strand (C>T on the coding strand, the complement: LZTS1 is on the minus strand). VCF-style: chr8-20255096-G-A. GRCh37 (hg19) VCF-style: chr8-20112607-G-A.
Other names: c.86C>T, p.Ser29Phe (NM_001362884.2); c.86C>T (NM_021020.3); short protein forms S29F.
Identifiers: ClinVar variation 2104689 (VCV002104689.5), dbSNP rs756718185, ClinGen allele CA173399865.

ClinVar aggregate classification (germline): Uncertain significance (1 of 4 stars; one submission).

Allele frequency attached by ClinVar (database versions not stated): gnomAD exomes below 0.00001.
gnomAD v4.1: 3 of 1,614,208 alleles (0.00019%); highest among the groups gnomAD compares: Non-Finnish European, 0.00025%; no homozygotes.

Submission:

Labcorp Genetics (formerly Invitae), Labcorp
Classification: Uncertain significance. Last evaluated: 2022-02-28. Review status: criteria provided, single submitter. Criteria: Invitae Variant Classification Sherloc (09022015). Collection method: clinical testing. Allele origin: germline.
Comment: In summary, the available evidence is currently insufficient to determine the role of this variant in disease. Therefore, it has been classified as a Variant of Uncertain Significance. Algorithms developed to predict the effect of missense changes on protein structure and function are either unavailable or do not agree on the potential impact of this missense change (SIFT: "Deleterious"; PolyPhen-2: "Probably Damaging"; Align-GVGD: "Class C15"). This variant has not been reported in the literature in individuals affected with LZTS1-related conditions. This variant is not present in population databases (gnomAD no frequency). This sequence change replaces serine, which is neutral and polar, with phenylalanine, which is neutral and non-polar, at codon 29 of the LZTS1 protein (p.Ser29Phe).